The following is an entry in ClinVar:

NM_000827.4(GRIA1):c.340C>T (p.Pro114Ser)

Gene: GRIA1 (glutamate ionotropic receptor AMPA type subunit 1; plus strand). Cytogenetic location: 5q33.2.
Variant type: single nucleotide variant.
Coding change: c.340C>T on transcript NM_000827.4 (MANE Select); coding-DNA position 340, C replaced by T.
Protein change: p.Pro114Ser; replaces proline 114 with serine.
Molecular consequence: missense variant. On other transcripts: non-coding transcript variant (2), intron variant (1).
Genome position (GRCh38, 1-based): chr5:153,647,047, C>T. VCF-style: chr5-153647047-C-T. GRCh37 (hg19) VCF-style: chr5-153026607-C-T.
Other names: c.340C>T, p.Pro114Ser (NM_001114183.2, NM_001364165.2); c.55C>T, p.Pro19Ser (NM_001258020.2); c.370C>T, p.Pro124Ser (NM_001258021.2, NM_001258022.2); c.133C>T, p.Pro45Ser (NM_001258023.1, NM_001364167.2); c.367C>T, p.Pro123Ser (NM_001364166.2); c.221-3283C>T (NM_001258019.2); short protein forms P114S, P123S, P124S, P19S, P45S.
Identifiers: ClinVar variation 3773909 (VCV003773909.1).

ClinVar aggregate classification (germline): Uncertain significance (1 of 4 stars; one submission).

Submission:

GeneDx
Classification: Uncertain significance. Last evaluated: 2024-09-24. Review status: criteria provided, single submitter. Criteria: GeneDx Variant Classification Process June 2021. Collection method: clinical testing. Allele origin: germline. Affected: yes.
Comment: Not observed at significant frequency in large population cohorts (gnomAD); In silico analysis supports that this missense variant has a deleterious effect on protein structure/function; Has not been previously published as pathogenic or benign to our knowledge